The following is an entry in ClinVar:

ClinVar aggregate classification (germline): Benign/Likely benign. Review status: criteria provided, multiple submitters, no conflicts (2 of 4 stars). 4 submissions from 4 submitters: Benign (1); Likely benign (3). Last evaluated 2025-09-03.

Conditions:
Hereditary cancer-predisposing syndrome. Also called: Tumor predisposition; Neoplastic Syndromes, Hereditary; Hereditary Cancer Syndrome; Hereditary neoplastic syndrome. Identifiers: Orphanet 140162, MedGen C0027672, MeSH D009386, MONDO:0015356.
Multiple endocrine neoplasia, type 2 (MEN2). Identifiers: Orphanet 653, MedGen C4048306, MONDO:0019003. Disease mechanism: gain of function.
Multiple endocrine neoplasia type 2A. Also called: MULTIPLE ENDOCRINE NEOPLASIA, TYPE IIA; PTC SYNDROME; SIPPLE SYNDROME; MEN 2A; MEN-2A syndrome; Pheochromocytoma and amyloid producing medullary thyroid carcinoma. Identifiers: Orphanet 247698, Orphanet 653, MedGen C0025268, MeSH D018813, MONDO:0008234, OMIM 171400.

gnomAD v4.1: 2 of 1,597,706 alleles (0.00013%); highest among the groups gnomAD compares: Admixed American, 0.0034%; no homozygotes.

Submissions (4):

Labcorp Genetics (formerly Invitae), Labcorp
Classification: Likely benign for Multiple endocrine neoplasia, type 2. Last evaluated: 2025-09-03. Review status: criteria provided, single submitter. Criteria: Invitae Variant Classification Sherloc (09022015). Collection method: clinical testing. Allele origin: germline.

Myriad Genetics, Inc.
Classification: Benign for Multiple endocrine neoplasia type 2A. Last evaluated: 2025-02-27. Review status: criteria provided, single submitter. Criteria: Myriad Autosomal Dominant, Autosomal Recessive and X-Linked Classification Criteria (2023). Collection method: clinical testing. Allele origin: unknown.
Comment: This variant is considered benign. This variant is a silent/synonymous amino acid change and it is not expected to impact splicing.

All of Us Research Program, National Institutes of Health
Classification: Likely benign for Multiple endocrine neoplasia, type 2. Last evaluated: 2024-06-09. Review status: criteria provided, single submitter. Criteria: ACMG Guidelines, 2015. Collection method: clinical testing. Allele origin: germline. Inheritance: Autosomal dominant inheritance. Observed: 2 variant alleles, 2 heterozygotes.
Comment: This study involves interpretation of variants in research participants for the purpose of population health screening. Participant phenotype was not available at the time of variant classification. Additional details can be found in publication PMID: 35346344, PMCID: PMC8962531

Ambry Genetics
Classification: Likely benign for Hereditary cancer-predisposing syndrome. Last evaluated: 2019-11-03. Review status: criteria provided, single submitter. Criteria: Ambry Variant Classification Scheme 2023. Collection method: clinical testing. Allele origin: germline.

NM_020975.6(RET):c.2397G>C (p.Pro799=)

Gene: RET (ret proto-oncogene; plus strand). Cytogenetic location: 10q11.21.
Variant type: single nucleotide variant.
Coding change: c.2397G>C on transcript NM_020975.6 (MANE Select); coding-DNA position 2397, G replaced by C.
Protein change: p.Pro799=; no amino-acid change (proline 799 retained).
Molecular consequence: synonymous variant.
Genome position (GRCh38, 1-based): chr10:43,119,535, G>C. VCF-style: chr10-43119535-G-C. GRCh37 (hg19) VCF-style: chr10-43614983-G-C.
Other names: c.2397G>C, p.Pro799= (NM_000323.2, NM_001406743.1, NM_001406744.1 and 4 more transcripts); c.1635G>C, p.Pro545= (NM_001355216.2); c.2268G>C, p.Pro756= (NM_001406761.1, NM_001406762.1, NM_001406764.1); c.2262G>C, p.Pro754= (NM_001406763.1, NM_001406765.1); c.2109G>C, p.Pro703= (NM_001406766.1, NM_001406767.1, NM_001406770.1); c.2133G>C, p.Pro711= (NM_001406768.1); c.2001G>C, p.Pro667= (NM_001406769.1, NM_001406772.1); c.1959G>C, p.Pro653= (NM_001406771.1, NM_001406773.1); and 10 more.
Identifiers: ClinVar variation 241346 (VCV000241346.18), dbSNP rs776737136, ClinGen allele CA10582724.